The following is an entry in ClinVar:

NM_013447.4(ADGRE2):c.80G>A (p.Arg27Lys)

Gene: ADGRE2 (adhesion G protein-coupled receptor E2; minus strand). Cytogenetic location: 19p13.12.
Variant type: single nucleotide variant.
Coding change: c.80G>A on transcript NM_013447.4 (MANE Select); coding-DNA position 80, G replaced by A.
Protein change: p.Arg27Lys; replaces arginine 27 with lysine.
Molecular consequence: missense variant.
Genome position (GRCh38, 1-based): chr19:14,774,258, C>T on the plus strand (G>A on the coding strand, the complement: ADGRE2 is on the minus strand). VCF-style: chr19-14774258-C-T. GRCh37 (hg19) VCF-style: chr19-14885070-C-T.
Other names: c.80G>A, p.Arg27Lys (NM_001271052.1, NM_152916.2, NM_152917.2); short protein forms R27K.
Identifiers: ClinVar variation 1901240 (VCV001901240.5), dbSNP rs1045143210, ClinGen allele CA305726897.

ClinVar aggregate classification (germline): Uncertain significance (1 of 4 stars; one submission).

Allele frequency attached by ClinVar (database versions not stated): gnomAD 0.00002; TOPMed 0.00002.

Submission:

Labcorp Genetics (formerly Invitae), Labcorp
Classification: Uncertain significance. Last evaluated: 2024-03-12. Review status: criteria provided, single submitter. Criteria: Invitae Variant Classification Sherloc (09022015). Collection method: clinical testing. Allele origin: germline.
Comment: This sequence change replaces arginine, which is basic and polar, with lysine, which is basic and polar, at codon 27 of the ADGRE2 protein (p.Arg27Lys). This variant is present in population databases (no rsID available, gnomAD 0.01%). This variant has not been reported in the literature in individuals affected with ADGRE2-related conditions. ClinVar contains an entry for this variant (Variation ID: 1901240). Algorithms developed to predict the effect of missense changes on protein structure and function output the following: SIFT: "Not Available"; PolyPhen-2: "Benign"; Align-GVGD: "Not Available". The lysine amino acid residue is found in multiple mammalian species, which suggests that this missense change does not adversely affect protein function. In summary, the available evidence is currently insufficient to determine the role of this variant in disease. Therefore, it has been classified as a Variant of Uncertain Significance.